The following is an entry in ClinVar:

ClinVar aggregate classification (germline): Uncertain significance (1 of 4 stars; one submission).

Submission:

GeneDx
Classification: Uncertain significance. Last evaluated: 2024-03-24. Review status: criteria provided, single submitter. Criteria: GeneDx Variant Classification Process June 2021. Collection method: clinical testing. Allele origin: germline. Affected: yes.
Comment: Not observed at significant frequency in large population cohorts (gnomAD); In silico analysis supports that this missense variant has a deleterious effect on protein structure/function; Has not been previously published as pathogenic or benign to our knowledge

NM_012281.3(KCND2):c.356T>C (p.Leu119Pro)

Gene: KCND2 (potassium voltage-gated channel subfamily D member 2; plus strand). Cytogenetic location: 7q31.31.
Variant type: single nucleotide variant.
Coding change: c.356T>C on transcript NM_012281.3 (MANE Select); coding-DNA position 356, T replaced by C.
Protein change: p.Leu119Pro; replaces leucine 119 with proline.
Molecular consequence: missense variant.
Genome position (GRCh38, 1-based): chr7:120,274,988, T>C. VCF-style: chr7-120274988-T-C. GRCh37 (hg19) VCF-style: chr7-119915042-T-C.
Other names: short protein forms L119P.
Identifiers: ClinVar variation 3371518 (VCV003371518.1).